The following is an entry in ClinVar:

ClinVar aggregate classification (germline): Uncertain significance (1 of 4 stars; one submission).

Conditions:
NCOA1-related disorder. Also called: NCOA1-related condition.

gnomAD v4.1: 3 of 1,613,744 alleles (0.00019%); highest among the groups gnomAD compares: South Asian, 0.0022%; no homozygotes.

Submission:

PreventionGenetics, part of Exact Sciences
Classification: Uncertain significance for NCOA1-related condition. Last evaluated: 2026-01-30. Review status: criteria provided, single submitter. Criteria: ACMG Guidelines, 2015. Collection method: clinical testing. Allele origin: germline.
Comment: The NCOA1 c.4231C>T variant is predicted to result in premature protein termination (p.Gln1411*). To our knowledge, this variant has not been reported in the literature. This variant is reported in 0.0033% of alleles in individuals of South Asian descent in gnomAD. Loss of function has not been conclusively established as a mechanism for NCOA1-related disorders. At this time, the clinical significance of this variant is uncertain due to the absence of conclusive functional and genetic evidence.

NM_003743.5(NCOA1):c.4231C>T (p.Gln1411Ter)

Gene: NCOA1 (nuclear receptor coactivator 1; plus strand). Cytogenetic location: 2p23.3.
Variant type: single nucleotide variant.
Coding change: c.4231C>T on transcript NM_003743.5 (MANE Select); coding-DNA position 4231, C replaced by T.
Protein change: p.Gln1411Ter; replaces glutamine 1411 with a stop codon.
Molecular consequence: nonsense. On other transcripts: 3 prime UTR variant (5).
Genome position (GRCh38, 1-based): chr2:24,768,296, C>T. VCF-style: chr2-24768296-C-T. GRCh37 (hg19) VCF-style: chr2-24991165-C-T.
Other names: c.*88C>T (NM_001362950.1, NM_001362952.1, NM_001362955.1 and 1 more transcripts); c.*85C>T (NM_001362954.1); c.4228C>T, p.Gln1410Ter (NM_147233.2); short protein forms Q1411*, Q1410*.
Identifiers: ClinVar variation 4991620 (VCV004991620.1).